The following is an entry in ClinVar:

NM_144666.3(DNHD1):c.12864-1G>A

Gene: DNHD1 (dynein heavy chain domain 1; plus strand). Cytogenetic location: 11p15.4.
Variant type: single nucleotide variant.
Coding change: c.12864-1G>A on transcript NM_144666.3 (MANE Select); the canonical splice acceptor site of the intron before coding-DNA position 12864, G replaced by A.
Molecular consequence: splice acceptor variant.
Genome position (GRCh38, 1-based): chr11:6,570,008, G>A. VCF-style: chr11-6570008-G-A. GRCh37 (hg19) VCF-style: chr11-6591238-G-A.
Identifiers: ClinVar variation 2169131 (VCV002169131.1), dbSNP rs1244142295, ClinGen allele CA379411543.

ClinVar aggregate classification (germline): Likely pathogenic (1 of 4 stars; one submission).

Allele frequency attached by ClinVar (database versions not stated): gnomAD exomes 0.00001.
gnomAD v4.1: 3 of 1,613,556 alleles (0.00019%); highest among the groups gnomAD compares: South Asian, 0.0033%; no homozygotes.

Submission:

Labcorp Genetics (formerly Invitae), Labcorp
Classification: Likely pathogenic. Last evaluated: 2022-06-28. Review status: criteria provided, single submitter. Criteria: Invitae Variant Classification Sherloc (09022015). Collection method: clinical testing. Allele origin: germline.
Comment: This sequence change affects an acceptor splice site in intron 39 of the DNHD1 gene. It is expected to disrupt RNA splicing. Variants that disrupt the donor or acceptor splice site typically lead to a loss of protein function (PMID: 16199547), and loss-of-function variants in DNHD1 are known to be pathogenic (PMID: 34932939). This variant is present in population databases (no rsID available, gnomAD 0.006%). This variant has not been reported in the literature in individuals affected with DNHD1-related conditions. Algorithms developed to predict the effect of sequence changes on RNA splicing suggest that this variant may disrupt the consensus splice site. In summary, the currently available evidence indicates that the variant is pathogenic, but additional data are needed to prove that conclusively. Therefore, this variant has been classified as Likely Pathogenic.

Literature cited by the submitters: PubMed 16199547; PubMed 34932939.